The following is an entry in ClinVar:

NM_032608.7(MYO18B):c.5669C>T (p.Ala1890Val)

Gene: MYO18B (myosin XVIIIB; plus strand). Cytogenetic location: 22q12.1.
Variant type: single nucleotide variant.
Coding change: c.5669C>T on transcript NM_032608.7 (MANE Select); coding-DNA position 5669, C replaced by T.
Protein change: p.Ala1890Val; replaces alanine 1890 with valine.
Molecular consequence: missense variant.
Genome position (GRCh38, 1-based): chr22:25,947,749, C>T. VCF-style: chr22-25947749-C-T. GRCh37 (hg19) VCF-style: chr22-26343715-C-T.
Other names: c.5672C>T, p.Ala1891Val (NM_001318245.2); short protein forms A1890V, A1891V.
Identifiers: ClinVar variation 2172303 (VCV002172303.2), dbSNP rs779733275, ClinGen allele CA10161241.

ClinVar aggregate classification (germline): Uncertain significance. Review status: criteria provided, multiple submitters, no conflicts (2 of 4 stars). 2 submissions from 2 submitters: Uncertain significance (2). Last evaluated 2024-09-24.

Conditions:
Klippel-Feil anomaly-myopathy-facial dysmorphism syndrome. Also called: Klippel-feil syndrome 4, autosomal recessive, with nemaline myopathy and facial dysmorphism; Klippel-Feil syndrome 4, autosomal recessive, with myopathy and facial dysmorphism. Identifiers: Orphanet 447974, MedGen C4225285, MONDO:0014689, OMIM 616549.

Allele frequency attached by ClinVar (database versions not stated): TOPMed 0.00002.
gnomAD v4.1: 12 of 1,613,664 alleles (0.00074%); highest among the groups gnomAD compares: Middle Eastern, 0.017%; no homozygotes.

Submissions (2):

Revvity Omics, Revvity
Classification: Uncertain significance for Klippel-Feil anomaly-myopathy-facial dysmorphism syndrome. Last evaluated: 2024-09-24. Review status: criteria provided, single submitter. Criteria: ACMG Guidelines, 2015. Collection method: clinical testing. Allele origin: germline.

Labcorp Genetics (formerly Invitae), Labcorp
Classification: Uncertain significance. Last evaluated: 2022-02-10. Review status: criteria provided, single submitter. Criteria: Invitae Variant Classification Sherloc (09022015). Collection method: clinical testing. Allele origin: germline.
Comment: This sequence change replaces alanine, which is neutral and non-polar, with valine, which is neutral and non-polar, at codon 1890 of the MYO18B protein (p.Ala1890Val). This variant is present in population databases (rs779733275, gnomAD 0.01%). This variant has not been reported in the literature in individuals affected with MYO18B-related conditions. Algorithms developed to predict the effect of missense changes on protein structure and function are either unavailable or do not agree on the potential impact of this missense change (SIFT: "Not Available"; PolyPhen-2: "Benign"; Align-GVGD: "Not Available"). In summary, the available evidence is currently insufficient to determine the role of this variant in disease. Therefore, it has been classified as a Variant of Uncertain Significance.